The following is an entry in ClinVar:

ClinVar aggregate classification (germline): Uncertain significance (1 of 4 stars; one submission).

Conditions:
Split hand-foot malformation 1. Also called: Split-hand/foot malformation 1; Split hand foot deformity 1; Split hand malformation1; Split hand deformity 1; SPLIT-HAND DEFORMITY; SPLIT-HAND/FOOT DEFORMITY 1. Identifiers: Orphanet 2440, MedGen C2931019, MONDO:0008464, OMIM 183600.
Split hand-foot malformation 1 with sensorineural hearing loss. Also called: SPLIT-HAND/FOOT MALFORMATION 1 WITH SENSORINEURAL HEARING LOSS, AUTOSOMAL RECESSIVE; DEAFNESS, CONGENITAL, WITH SPLIT HANDS AND FEET. Identifiers: Orphanet 71271, MedGen C1857344, MONDO:0009080, OMIM 220600.

Submission:

Juno Genomics, Hangzhou Juno Genomics, Inc
Classification: Uncertain significance for Split hand-foot malformation 1 with sensorineural hearing loss; Split hand-foot malformation 1. Review status: criteria provided, single submitter. Criteria: ACMG Guidelines, 2015. Collection method: clinical testing. Allele origin: germline.
Comment: Absent from controls (or at extremely low frequency if recessive) in Genome Aggregation Database.

NM_005221.6(DLX5):c.144del (p.Tyr47_Tyr48insTer)

Gene: DLX5 (distal-less homeobox 5; minus strand). Cytogenetic location: 7q21.3.
Variant type: Deletion.
Coding change: c.144del on transcript NM_005221.6 (MANE Select); coding-DNA position 144, one base deleted (C; older notation c.144delC).
Protein change: p.Tyr47_Tyr48insTer.
Molecular consequence: nonsense.
Genome position (GRCh38, 1-based): chr7:97,024,480, G deleted on the plus strand (C on the coding strand, the reverse complement: DLX5 is on the minus strand). VCF-style (leftmost placement, unchanged base first): chr7-97024479-TG-T. GRCh37 (hg19) VCF-style: chr7-96653791-TG-T.
Identifiers: ClinVar variation 5019008 (VCV005019008.2).
Genomic context (GRCh38, chr7:97,024,479, plus strand): 5'-CTTTGCCATAGGAAGCCGAGGTAGGAGAGCAGTAGCCGTGCGGGGCTCCCCCCGTAGGGC[TG>T]TAGTAGTCAGAATCGGTAGCTGAAGACTCGGGCAAAGTTGGCGATTCCTGAGACGGATGG-3'